The following is an entry in ClinVar:

ClinVar aggregate classification (germline): Uncertain significance (1 of 4 stars; one submission).

Allele frequency attached by ClinVar (database versions not stated): gnomAD exomes below 0.00001; TOPMed below 0.00001.
gnomAD v4.1: 1 of 1,613,594 alleles (0.000062%); highest among the groups gnomAD compares: Non-Finnish European, 0.000085%; no homozygotes.

Submission:

Labcorp Genetics (formerly Invitae), Labcorp
Classification: Uncertain significance. Last evaluated: 2023-12-20. Review status: criteria provided, single submitter. Criteria: Invitae Variant Classification Sherloc (09022015). Collection method: clinical testing. Allele origin: germline.
Comment: This sequence change replaces alanine, which is neutral and non-polar, with proline, which is neutral and non-polar, at codon 187 of the SCAF4 protein (p.Ala187Pro). This variant is not present in population databases (gnomAD no frequency). This variant has not been reported in the literature in individuals affected with SCAF4-related conditions. An algorithm developed to predict the effect of missense changes on protein structure and function (PolyPhen-2) suggests that this variant is likely to be disruptive. In summary, the available evidence is currently insufficient to determine the role of this variant in disease. Therefore, it has been classified as a Variant of Uncertain Significance.

NM_020706.2(SCAF4):c.559G>C (p.Ala187Pro)

Gene: SCAF4 (SR-related CTD associated factor 4; minus strand). Cytogenetic location: 21q22.11.
Variant type: single nucleotide variant.
Coding change: c.559G>C on transcript NM_020706.2 (MANE Select); coding-DNA position 559, G replaced by C.
Protein change: p.Ala187Pro; replaces alanine 187 with proline.
Molecular consequence: missense variant.
Genome position (GRCh38, 1-based): chr21:31,701,817, C>G on the plus strand (G>C on the coding strand, the complement: SCAF4 is on the minus strand). VCF-style: chr21-31701817-C-G. GRCh37 (hg19) VCF-style: chr21-33074130-C-G.
Other names: c.514G>C, p.Ala172Pro (NM_001145444.1); c.559G>C, p.Ala187Pro (NM_001145445.1); short protein forms A172P, A187P.
Identifiers: ClinVar variation 2704353 (VCV002704353.3), dbSNP rs1217162525, ClinGen allele CA410050335.
Genomic context (GRCh38, chr21:31,701,817, plus strand): 5'-TTTTGAGTAGACAGTTTACCTGTTGGCCTTGAGTTGTCTGAAACAGCTGAGCCACAGCAG[C>G]AAAAGCATCAGAGCTGGGCAACTGTGGTACAGCTGGGACGGAGTTTGGAGTGGCTTGTGT-3'
Protein context (NP_065757.1, residues 177-197): VPQLPSSDAF[Ala187Pro]AVAQLFQTTQ